The following is an entry in ClinVar:

NM_033026.6(PCLO):c.15265A>T (p.Ser5089Cys)

Gene: PCLO (piccolo presynaptic cytomatrix protein; minus strand). Cytogenetic location: 7q21.11.
Variant type: single nucleotide variant.
Coding change: c.15265A>T on transcript NM_033026.6 (MANE Select); coding-DNA position 15265, A replaced by T.
Protein change: p.Ser5089Cys; replaces serine 5089 with cysteine.
Molecular consequence: missense variant.
Genome position (GRCh38, 1-based): chr7:82,760,662, T>A on the plus strand (A>T on the coding strand, the complement: PCLO is on the minus strand). VCF-style: chr7-82760662-T-A. GRCh37 (hg19) VCF-style: chr7-82389978-T-A.
Other names: c.15265A>T (NM_033026.5); short protein forms S5089C.
Identifiers: ClinVar variation 1299286 (VCV001299286.9), dbSNP rs370372055, ClinGen allele CA4318578.

ClinVar aggregate classification (germline): Uncertain significance. Review status: criteria provided, multiple submitters, no conflicts (2 of 4 stars). 4 submissions from 4 submitters: Uncertain significance (2). 2 of the submissions do not count toward it. Last evaluated 2025-09-25.

Conditions:
Inborn genetic diseases. Identifiers: MedGen C0950123, MeSH D030342.

Allele frequency attached by ClinVar (database versions not stated): TOPMed 0.00007; ESP Exome Variant Server 0.00008; ExAC 0.00009; gnomAD 0.00009 and 0.00010; gnomAD exomes 0.00009 and 0.00014.
gnomAD v4.1: 217 of 1,605,228 alleles (0.014%); highest among the groups gnomAD compares: Non-Finnish European, 0.018%; no homozygotes.

Submissions (4):

Ambry Genetics
Classification: Uncertain significance for Inborn genetic diseases. Last evaluated: 2025-09-25. Review status: criteria provided, single submitter. Criteria: Ambry Variant Classification Scheme 2023. Collection method: clinical testing. Allele origin: germline.

Labcorp Genetics (formerly Invitae), Labcorp
Classification: Uncertain significance. Last evaluated: 2025-09-23. Review status: criteria provided, single submitter. Criteria: Invitae Variant Classification Sherloc (09022015). Collection method: clinical testing. Allele origin: germline.
Comment: This sequence change replaces serine, which is neutral and polar, with cysteine, which is neutral and slightly polar, at codon 5089 of the PCLO protein (p.Ser5089Cys). This variant is present in population databases (rs370372055, gnomAD 0.02%). This variant has not been reported in the literature in individuals affected with PCLO-related conditions. ClinVar contains an entry for this variant (Variation ID: 1299286). Experimental studies and prediction algorithms are not available or were not evaluated, and the functional significance of this variant is currently unknown. In summary, the available evidence is currently insufficient to determine the role of this variant in disease. Therefore, it has been classified as a Variant of Uncertain Significance.

Clinical Genetics DNA and cytogenetics Diagnostics Lab, Erasmus MC, Erasmus Medical Center
Classification: Uncertain significance. Review status: no assertion criteria provided. Collection method: clinical testing. Allele origin: germline. Affected: yes. Study: VKGL Data-share Consensus. Not counted in ClinVar's aggregate classification.

Diagnostic Laboratory, Department of Genetics, University Medical Center Groningen
Classification: Uncertain significance. Review status: no assertion criteria provided. Collection method: clinical testing. Allele origin: germline. Affected: yes. Study: VKGL Data-share Consensus. Not counted in ClinVar's aggregate classification.